The following is an entry in ClinVar:

ClinVar aggregate classification (germline): Uncertain significance. Review status: criteria provided, multiple submitters, no conflicts (2 of 4 stars). 3 submissions from 3 submitters: Uncertain significance (2). 1 of the submissions does not count toward it. Last evaluated 2026-01-18.

Conditions:
Intellectual disability-severe speech delay-mild dysmorphism syndrome (IDDLA). Also called: Mental retardation with language impairment and autistic features; FOXP1 Syndrome; Intellectual developmental disorder with language impairment AND with or without autistic features. Identifiers: Orphanet 391372, MedGen C4013764, MONDO:0013352, OMIM 613670.
Atrial septal defect 1 (ASD1). Identifiers: Orphanet 1478, MedGen C1862389, MONDO:0007172, OMIM 108800.

Allele frequency attached by ClinVar (database versions not stated): TOPMed below 0.00001.

Submissions (3):

Clinical Genomics Laboratory, Washington University in St. Louis
Classification: Uncertain significance for Intellectual disability-severe speech delay-mild dysmorphism syndrome. Last evaluated: 2026-01-18. Review status: criteria provided, single submitter. Criteria: ACMG Guidelines, 2015. Collection method: clinical testing. Allele origin: germline.
Comment: The FOXP1 c.1778C>A ( p.Pro593His) variant, to our knowledge, has not been reported in the medical literature. This variant has been reported in the ClinVar database as a germline variant of uncertain significance by one submitter. This variant is absent from the general population (gnomAD v.2.1.1), indicating it is not a common variant. Computational predictors are uncertain as to the impact of this variant on FOXP1 function. Due to limited information, and based on ACMG/AMP guidelines for variant interpretation (Richards S et al., PMID: 25741868), the clinical significance of this variant is uncertain at this time.

Labcorp Genetics (formerly Invitae), Labcorp
Classification: Uncertain significance. Last evaluated: 2022-08-19. Review status: criteria provided, single submitter. Criteria: Invitae Variant Classification Sherloc (09022015). Collection method: clinical testing. Allele origin: germline.
Comment: This sequence change replaces proline, which is neutral and non-polar, with histidine, which is basic and polar, at codon 593 of the FOXP1 protein (p.Pro593His). This variant is not present in population databases (gnomAD no frequency). This variant has not been reported in the literature in individuals affected with FOXP1-related conditions. ClinVar contains an entry for this variant (Variation ID: 1174513). Algorithms developed to predict the effect of missense changes on protein structure and function are either unavailable or do not agree on the potential impact of this missense change (SIFT: "Tolerated"; PolyPhen-2: "Probably Damaging"; Align-GVGD: "Class C0"). In summary, the available evidence is currently insufficient to determine the role of this variant in disease. Therefore, it has been classified as a Variant of Uncertain Significance.

Cytogenetics- Mohapatra Lab, Banaras Hindu University
Classification: Pathogenic for Atrial septal defect 1. Last evaluated: 2016-10-12. Review status: no assertion criteria provided. Collection method: case-control. Allele origin: germline. Inheritance: Autosomal dominant inheritance. Affected: yes. Observed: 1 variant allele, 1 heterozygote. Not counted in ClinVar's aggregate classification.

NM_001349338.3(FOXP1):c.1778C>A (p.Pro593His)

Gene: FOXP1 (forkhead box P1; minus strand). Cytogenetic location: 3p13.
Variant type: single nucleotide variant.
Coding change: c.1778C>A on transcript NM_001349338.3 (MANE Select); coding-DNA position 1778, C replaced by A.
Protein change: p.Pro593His; replaces proline 593 with histidine.
Molecular consequence: missense variant. On other transcripts: non-coding transcript variant (2).
Genome position (GRCh38, 1-based): chr3:70,966,001, G>T on the plus strand (C>A on the coding strand, the complement: FOXP1 is on the minus strand). VCF-style: chr3-70966001-G-T. GRCh37 (hg19) VCF-style: chr3-71015152-G-T.
Other names: c.1775C>A, p.Pro592His (NM_001244808.3, NM_001349341.3); c.1826C>A, p.Pro609His (NM_001244810.2); c.1550C>A, p.Pro517His (NM_001244812.3); c.1478C>A, p.Pro493His (NM_001244813.3, NM_001244815.2, NM_001349342.3); c.1778C>A, p.Pro593His (NM_001244814.3, NM_001244816.2, NM_001349340.3 and 1 more transcripts); c.1475C>A, p.Pro492His (NM_001349337.2, NM_001349343.3, NM_001349344.3 and 1 more transcripts); short protein forms P492H, P493H, P517H, P592H, P593H, P609H.
Identifiers: ClinVar variation 1174513 (VCV001174513.8), dbSNP rs2034683194, ClinGen allele CA353489679.